The following is an entry in ClinVar:

ClinVar aggregate classification (germline): Uncertain significance. Review status: criteria provided, multiple submitters, no conflicts (2 of 4 stars). 2 submissions from 2 submitters: Uncertain significance (2). Last evaluated 2026-01-23.

Allele frequency attached by ClinVar (database versions not stated): ExAC 0.00003; TOPMed 0.00003; gnomAD 0.00004; gnomAD exomes 0.00005; ESP Exome Variant Server 0.00015.
gnomAD v4.1: 77 of 1,613,692 alleles (0.0048%); highest among the groups gnomAD compares: South Asian, 0.013%; 1 homozygote.

Submissions (2):

Women's Health and Genetics/Laboratory Corporation of America, LabCorp
Classification: Uncertain significance. Last evaluated: 2026-01-23. Review status: criteria provided, single submitter. Criteria: LabCorp Variant Classification Summary - May 2015. Collection method: clinical testing. Allele origin: germline.

Labcorp Genetics (formerly Invitae), Labcorp
Classification: Uncertain significance. Last evaluated: 2025-06-18. Review status: criteria provided, single submitter. Criteria: Invitae Variant Classification Sherloc (09022015). Collection method: clinical testing. Allele origin: germline.
Comment: This sequence change replaces arginine, which is basic and polar, with histidine, which is basic and polar, at codon 478 of the POLD2 protein (p.Arg478His). This variant is present in population databases (rs376080178, gnomAD 0.01%). This variant has not been reported in the literature in individuals affected with POLD2-related conditions. ClinVar contains an entry for this variant (Variation ID: 1981218). Experimental studies and prediction algorithms are not available or were not evaluated, and the functional significance of this variant is currently unknown. In summary, the available evidence is currently insufficient to determine the role of this variant in disease. Therefore, it has been classified as a Variant of Uncertain Significance.

NM_006230.4(POLD2):c.1328G>A (p.Arg443His)

Gene: POLD2 (DNA polymerase delta 2, accessory subunit; minus strand). Cytogenetic location: 7p13.
Variant type: single nucleotide variant.
Coding change: c.1328G>A on transcript NM_006230.4 (MANE Select); coding-DNA position 1328, G replaced by A.
Protein change: p.Arg443His; replaces arginine 443 with histidine.
Molecular consequence: missense variant.
Genome position (GRCh38, 1-based): chr7:44,114,867, C>T on the plus strand (G>A on the coding strand, the complement: POLD2 is on the minus strand). VCF-style: chr7-44114867-C-T. GRCh37 (hg19) VCF-style: chr7-44154466-C-T.
Other names: c.1328G>A, p.Arg443His (NM_001127218.3, NM_001256879.2); short protein forms R443H.
Identifiers: ClinVar variation 1981218 (VCV001981218.5), dbSNP rs376080178, ClinGen allele CA4238548.
Genomic context (GRCh38, chr7:44,114,867, plus strand): 5'-CCCAGGTCATCGTCCTCTGCCCCGAAGCCCGAGAAGCTGATGGGCTGGCAGGCCAGGCTG[C>T]GCAGGTTCACAAGGCAGGCGGTCTGCGTGGCACTGAAGTCAGGGACAGTCACCAACAGCA-3'
Protein context (NP_006221.3, residues 433-453): ATQTACLVNL[Arg443His]SLACQPISFS